The following is an entry in ClinVar:

NM_004247.4(EFTUD2):c.1982C>G (p.Thr661Arg)

Gene: EFTUD2 (elongation factor Tu GTP binding domain containing 2; minus strand). Cytogenetic location: 17q21.31.
Variant type: single nucleotide variant.
Coding change: c.1982C>G on transcript NM_004247.4 (MANE Select); coding-DNA position 1982, C replaced by G.
Protein change: p.Thr661Arg; replaces threonine 661 with arginine.
Molecular consequence: missense variant.
Genome position (GRCh38, 1-based): chr17:44,857,138, G>C on the plus strand (C>G on the coding strand, the complement: EFTUD2 is on the minus strand). VCF-style: chr17-44857138-G-C. GRCh37 (hg19) VCF-style: chr17-42934506-G-C.
Other names: c.1877C>G, p.Thr626Arg (NM_001142605.2); c.1982C>G, p.Thr661Arg (NM_001258353.2); c.1952C>G, p.Thr651Arg (NM_001258354.2); short protein forms T626R, T661R, T651R.
Identifiers: ClinVar variation 3000886 (VCV003000886.3), dbSNP rs774001446, ClinGen allele CA399844933.

ClinVar aggregate classification (germline): Uncertain significance (1 of 4 stars; one submission).

gnomAD v4.1: 3 of 1,613,886 alleles (0.00019%); highest among the groups gnomAD compares: Non-Finnish European, 0.00025%; no homozygotes.

Submission:

Labcorp Genetics (formerly Invitae), Labcorp
Classification: Uncertain significance. Last evaluated: 2023-07-29. Review status: criteria provided, single submitter. Criteria: Invitae Variant Classification Sherloc (09022015). Collection method: clinical testing. Allele origin: germline.
Comment: In summary, the available evidence is currently insufficient to determine the role of this variant in disease. Therefore, it has been classified as a Variant of Uncertain Significance. Advanced modeling of protein sequence and biophysical properties (such as structural, functional, and spatial information, amino acid conservation, physicochemical variation, residue mobility, and thermodynamic stability) performed at Invitae indicates that this missense variant is expected to disrupt EFTUD2 protein function. This variant has not been reported in the literature in individuals affected with EFTUD2-related conditions. This variant is not present in population databases (gnomAD no frequency). This sequence change replaces threonine, which is neutral and polar, with arginine, which is basic and polar, at codon 661 of the EFTUD2 protein (p.Thr661Arg).